The following is an entry in ClinVar:

ClinVar aggregate classification (germline): Uncertain significance. Review status: criteria provided, multiple submitters, no conflicts (2 of 4 stars). 2 submissions from 2 submitters: Uncertain significance (2). Last evaluated 2026-03-23.

Conditions:
MYH7B-related disorder. Also called: MYH7B-related condition.

gnomAD v4.1: 192 of 1,485,772 alleles (0.013%); highest among the groups gnomAD compares: Non-Finnish European, 0.017%; no homozygotes.

Submissions (2):

PreventionGenetics, part of Exact Sciences
Classification: Uncertain significance for MYH7B-related condition. Last evaluated: 2026-03-23. Review status: criteria provided, single submitter. Criteria: ACMG Guidelines, 2015. Collection method: clinical testing. Allele origin: germline.
Comment: The MYH7B c.3631G>A variant is predicted to result in the amino acid substitution p.Glu1211Lys. To our knowledge, this variant has not been reported in the literature. This variant is reported in 0.015% of alleles in individuals of South Asian descent in gnomAD. At this time, the clinical significance of this variant is uncertain due to the absence of conclusive functional and genetic evidence.

Ambry Genetics
Classification: Uncertain significance. Last evaluated: 2025-05-07. Review status: criteria provided, single submitter. Criteria: Ambry Variant Classification Scheme 2023. Collection method: clinical testing. Allele origin: germline.

NM_020884.7(MYH7B):c.3505G>A (p.Glu1169Lys)

Gene: MYH7B (myosin heavy chain 7B; plus strand). Cytogenetic location: 20q11.22.
Variant type: single nucleotide variant.
Coding change: c.3505G>A on transcript NM_020884.7 (MANE Select); coding-DNA position 3505, G replaced by A.
Protein change: p.Glu1169Lys; replaces glutamic acid 1169 with lysine.
Molecular consequence: missense variant.
Genome position (GRCh38, 1-based): chr20:34,997,398, G>A. VCF-style: chr20-34997398-G-A. GRCh37 (hg19) VCF-style: chr20-33585201-G-A.
Other names: c.3631G>A (NM_020884.4); short protein forms E1169K.
Identifiers: ClinVar variation 3915659 (VCV003915659.2).